The following is an entry in ClinVar:

ClinVar aggregate classification (germline): Pathogenic (1 of 4 stars; one submission).

Conditions:
Axenfeld-Rieger syndrome type 3 (RIEG3). Also called: AXENFELD-RIEGER ANOMALY WITH CARDIAC DEFECTS AND/OR SENSORINEURAL HEARING LOSS. Identifiers: Orphanet 782, MedGen C2678503, MONDO:0011233, OMIM 602482.

Submission:

Labcorp Genetics (formerly Invitae), Labcorp
Classification: Pathogenic for Axenfeld-Rieger syndrome type 3. Last evaluated: 2019-11-27. Review status: criteria provided, single submitter. Criteria: Invitae Variant Classification Sherloc (09022015). Collection method: clinical testing. Allele origin: germline.
Comment: This sequence change results in a premature translational stop signal in the FOXC1 gene (p.Gln123*). While this is not anticipated to result in nonsense mediated decay, it is expected to disrupt the last 431 amino acids of the FOXC1 protein. This variant is not present in population databases (ExAC no frequency). This variant has been observed in individual(s) with Axenfeld-Rieger anomaly and anterior segment dysgenesis (PMID: 12592227, 30457409). This variant disrupts the C-terminus of the FOXC1 protein. Other variant(s) that disrupt this region (p.Ser320Argfs*81) have been determined to be pathogenic (Invitae). This suggests that variants that disrupt this region of the protein are likely to be causative of disease. For these reasons, this variant has been classified as Pathogenic.

Literature cited by the submitters: PubMed 12592227; PubMed 30457409.

NM_001453.3(FOXC1):c.367C>T (p.Gln123Ter)

Gene: FOXC1 (forkhead box C1; plus strand). Cytogenetic location: 6p25.3.
Variant type: single nucleotide variant.
Coding change: c.367C>T on transcript NM_001453.3 (MANE Select); coding-DNA position 367, C replaced by T.
Protein change: p.Gln123Ter; replaces glutamine 123 with a stop codon.
Molecular consequence: nonsense.
Genome position (GRCh38, 1-based): chr6:1,610,812, C>T. VCF-style: chr6-1610812-C-T. GRCh37 (hg19) VCF-style: chr6-1611047-C-T.
Other names: short protein forms Q123*.
Identifiers: ClinVar variation 858712 (VCV000858712.9), dbSNP rs1762522833, ClinGen allele CA362558662.